The following is an entry in ClinVar:

ClinVar aggregate classification (germline): Benign. Review status: criteria provided, multiple submitters, no conflicts (2 of 4 stars). 4 submissions from 4 submitters: Benign (4). Last evaluated 2025-04-09.

Allele frequency attached by ClinVar (database versions not stated): gnomAD exomes 0.04615 and 0.06156; ExAC 0.06526; gnomAD 0.11749 and 0.12299; TOPMed 0.12773; 1000 Genomes Project 0.12979; ESP Exome Variant Server 0.13070; 1000 Genomes Project 30x 0.13492.
gnomAD v4.1: 85,760 of 1,613,680 alleles (5.3%); highest among the groups gnomAD compares: African/African-American, 31%; 5,138 homozygotes.

Submissions (4):

Molecular Diagnostic Laboratory for Inherited Cardiovascular Disease, Montreal Heart Institute
Classification: Benign. Last evaluated: 2025-04-09. Review status: criteria provided, single submitter. Criteria: ACMG Guidelines, 2015. Collection method: clinical testing. Allele origin: germline. Affected: no.

Mayo Clinic Laboratories, Mayo Clinic
Classification: Benign. Last evaluated: 2022-04-26. Review status: criteria provided, single submitter. Criteria: ACMG Guidelines, 2015. Collection method: clinical testing. Allele origin: germline. Observed: 67 variant alleles.

GeneDx
Classification: Benign. Last evaluated: 2017-08-30. Review status: criteria provided, single submitter. Criteria: GeneDx Variant Classification (06012015). Collection method: clinical testing. Allele origin: germline. Affected: yes.
Comment: This variant is considered likely benign or benign based on one or more of the following criteria: it is a conservative change, it occurs at a poorly conserved position in the protein, it is predicted to be benign by multiple in silico algorithms, and/or has population frequency not consistent with disease.

Breakthrough Genomics
Classification: Benign. Review status: criteria provided, single submitter. Criteria: ACMG Guidelines, 2015. Collection method: not provided. Allele origin: germline. Inheritance: Autosomal recessive inheritance. Affected: yes.

NM_016194.4(GNB5):c.312C>T (p.His104=)

Gene: GNB5 (G protein subunit beta 5; minus strand). Cytogenetic location: 15q21.2.
Variant type: single nucleotide variant.
Coding change: c.312C>T on transcript NM_016194.4 (MANE Select); coding-DNA position 312, C replaced by T.
Protein change: p.His104=; no amino-acid change (histidine 104 retained).
Molecular consequence: synonymous variant.
Genome position (GRCh38, 1-based): chr15:52,154,003, G>A on the plus strand (C>T on the coding strand, the complement: GNB5 is on the minus strand). VCF-style: chr15-52154003-G-A. GRCh37 (hg19) VCF-style: chr15-52446200-G-A.
Other names: p.His104=; c.186C>T, p.His62= (NM_006578.4).
Identifiers: ClinVar variation 517015 (VCV000517015.4), dbSNP rs6493537, ClinGen allele CA7565882.